The following is an entry in ClinVar:

ClinVar aggregate classification (germline): Conflicting classifications of pathogenicity. Review status: criteria provided, conflicting classifications (1 of 4 stars). 3 submissions from 3 submitters: Uncertain significance (2); Likely benign (1). Last evaluated 2024-09-22.

Conditions:
Cardiovascular phenotype. Identifiers: MedGen CN230736.
Arrhythmogenic right ventricular dysplasia 8 (ARVD8). Also called: Arrhythmogenic Right Ventricular Dysplasia/Cardiomyopathy 8; ARRHYTHMOGENIC RIGHT VENTRICULAR DYSPLASIA, FAMILIAL, 8; ARRHYTHMOGENIC RIGHT VENTRICULAR CARDIOMYOPATHY 8. Identifiers: MedGen C1843896, MONDO:0011831, OMIM 607450.
Arrhythmogenic cardiomyopathy with wooly hair and keratoderma. Also called: PALMOPLANTAR KERATODERMA WITH LEFT VENTRICULAR CARDIOMYOPATHY AND WOOLLY HAIR; Carvajal syndrome; Dilated cardiomyopathy with woolly hair and keratoderma; Arrhythmogenic cardiomyopathy with woolly hair and keratoderma. Identifiers: Orphanet 65282, MedGen C1854063, MONDO:0011581, OMIM 605676.
Cardiomyopathy (CMYO). Also called: Cardiomyopathies. Identifiers: Orphanet 167848, MedGen C0878544, MONDO:0004994, HP:0001638. Inheritance: Various modes of inheritance.

Submissions (3):

Ambry Genetics
Classification: Uncertain significance for Cardiovascular phenotype. Last evaluated: 2024-09-22. Review status: criteria provided, single submitter. Criteria: Ambry Variant Classification Scheme 2023. Collection method: clinical testing. Allele origin: germline.
Comment: The p.Q331R variant (also known as c.992A>G), located in coding exon 8 of the DSP gene, results from an A to G substitution at nucleotide position 992. The glutamine at codon 331 is replaced by arginine, an amino acid with highly similar properties. This alteration has been reported in a congenital heart defect cohort in a fetus with an additional alteration in DSP identified in trans (Sun S et al. Front Genet, 2024 Aug;15:1448383). This amino acid position is well conserved in available vertebrate species. In addition, the in silico prediction for this alteration is inconclusive. Based on the available evidence, the clinical significance of this variant remains unclear.

Color Diagnostics, LLC DBA Color Health
Classification: Uncertain significance for Cardiomyopathy. Last evaluated: 2023-12-05. Review status: criteria provided, single submitter. Criteria: ACMG Guidelines, 2015. Collection method: clinical testing. Allele origin: germline.
Comment: This missense variant replaces glutamine with arginine at codon 331 of the DSP protein. Computational prediction tools and conservation analyses are inconclusive regarding the impact of this variant on the protein function. Computational splicing tools suggest that this variant may not impact RNA splicing. To our knowledge, functional assays have not been performed for this variant nor has this variant been reported in individuals affected with cardiovascular disorders in the literature. This variant has been identified in 2/251124 chromosomes in the general population by the Genome Aggregation Database (gnomAD). Available evidence is insufficient to determine the role of this variant in disease conclusively. Therefore, this variant is classified as a Variant of Uncertain Significance.

Labcorp Genetics (formerly Invitae), Labcorp
Classification: Likely benign for Arrhythmogenic cardiomyopathy with wooly hair and keratoderma; Arrhythmogenic right ventricular dysplasia 8. Last evaluated: 2022-12-06. Review status: criteria provided, single submitter. Criteria: Invitae Variant Classification Sherloc (09022015). Collection method: clinical testing. Allele origin: germline.

Literature cited by the submitters: PubMed 39205944 (cited by Ambry Genetics).

NM_004415.4(DSP):c.992A>G (p.Gln331Arg)

Gene: DSP (desmoplakin; plus strand). Cytogenetic location: 6p24.3.
Variant type: single nucleotide variant.
Coding change: c.992A>G on transcript NM_004415.4 (MANE Select); coding-DNA position 992, A replaced by G.
Protein change: p.Gln331Arg; replaces glutamine 331 with arginine.
Molecular consequence: missense variant.
Genome position (GRCh38, 1-based): chr6:7,566,429, A>G. VCF-style: chr6-7566429-A-G. GRCh37 (hg19) VCF-style: chr6-7566662-A-G.
Other names: c.992A>G, p.Gln331Arg (NM_001008844.3, NM_001319034.2); short protein forms Q331R.
Identifiers: ClinVar variation 925510 (VCV000925510.14), dbSNP rs746517026, ClinGen allele CA053435.